The following is an entry in ClinVar:

ClinVar aggregate classification (germline): Uncertain significance (1 of 4 stars; one submission).

Conditions:
Familial cancer of breast. Also called: hereditary breast carcinoma; BREAST CANCER, FAMILIAL; Hereditary breast cancer. Identifiers: Orphanet 227535, MedGen C0346153, MONDO:0016419, OMIM 114480. Disease mechanism: loss of function.

Submission:

Labcorp Genetics (formerly Invitae), Labcorp
Classification: Uncertain significance for Familial cancer of breast. Last evaluated: 2025-11-11. Review status: criteria provided, single submitter. Criteria: Invitae Variant Classification Sherloc (09022015). Collection method: clinical testing. Allele origin: germline.
Comment: This sequence change replaces tyrosine, which is neutral and polar, with asparagine, which is neutral and polar, at codon 87 of the BARD1 protein (p.Tyr87Asn). This variant is not present in population databases (gnomAD no frequency). This variant has not been reported in the literature in individuals affected with BARD1-related conditions. ClinVar contains an entry for this variant (Variation ID: 3655754). An algorithm developed to predict the effect of missense changes on protein structure and function outputs the following: PolyPhen-2: "Benign". The asparagine amino acid residue is found in multiple mammalian species, which suggests that this missense change does not adversely affect protein function. In summary, the available evidence is currently insufficient to determine the role of this variant in disease. Therefore, it has been classified as a Variant of Uncertain Significance.

NM_000465.4(BARD1):c.259T>A (p.Tyr87Asn)

Gene: BARD1 (BRCA1 associated RING domain 1; minus strand). Cytogenetic location: 2q35.
Variant type: single nucleotide variant.
Coding change: c.259T>A on transcript NM_000465.4 (MANE Select); coding-DNA position 259, T replaced by A.
Protein change: p.Tyr87Asn; replaces tyrosine 87 with asparagine.
Molecular consequence: missense variant. On other transcripts: non-coding transcript variant (1), intron variant (2).
Genome position (GRCh38, 1-based): chr2:214,792,402, A>T on the plus strand (T>A on the coding strand, the complement: BARD1 is on the minus strand). VCF-style: chr2-214792402-A-T. GRCh37 (hg19) VCF-style: chr2-215657126-A-T.
Other names: c.202T>A, p.Tyr68Asn (NM_001282543.2); c.259T>A, p.Tyr87Asn (NM_001282549.2); c.158+17010T>A (NM_001282548.2); c.215+4659T>A (NM_001282545.2); short protein forms Y68N, Y87N.
Identifiers: ClinVar variation 3655754 (VCV003655754.2).